The following is an entry in ClinVar:

ClinVar aggregate classification (germline): Benign (1 of 4 stars; one submission).

Allele frequency attached by ClinVar (database versions not stated): 1000 Genomes Project 0.69708; 1000 Genomes Project 30x 0.70284; gnomAD 0.75270 and 0.76087; TOPMed 0.75613.
gnomAD v4.1: 114,339 of 152,026 alleles (75%); highest among the groups gnomAD compares: African/African-American, 87%; 43,600 homozygotes.

Submission:

GeneDx
Classification: Benign. Last evaluated: 2018-06-18. Review status: criteria provided, single submitter. Criteria: GeneDx Variant Classification (06012015). Collection method: clinical testing. Allele origin: germline. Affected: yes.
Comment: This variant is considered likely benign or benign based on one or more of the following criteria: it is a conservative change, it occurs at a poorly conserved position in the protein, it is predicted to be benign by multiple in silico algorithms, and/or has population frequency not consistent with disease.

NM_001035.3(RYR2):c.11040-269G>A

Gene: RYR2 (ryanodine receptor 2; plus strand). Cytogenetic location: 1q43.
Variant type: single nucleotide variant.
Coding change: c.11040-269G>A on transcript NM_001035.3 (MANE Select); 269 bases into the intron before coding-DNA position 11040, G replaced by A.
Molecular consequence: intron variant.
Genome position (GRCh38, 1-based): chr1:237,733,436, G>A. VCF-style: chr1-237733436-G-A. GRCh37 (hg19) VCF-style: chr1-237896736-G-A.
Identifiers: ClinVar variation 683797 (VCV000683797.1), dbSNP rs1915781, ClinGen allele CA10827252.